The following is an entry in ClinVar:

NM_000321.3(RB1):c.1617A>C (p.Glu539Asp)

Gene: RB1 (RB transcriptional corepressor 1; plus strand). Cytogenetic location: 13q14.2.
Variant type: single nucleotide variant.
Coding change: c.1617A>C on transcript NM_000321.3 (MANE Select); coding-DNA position 1617, A replaced by C.
Protein change: p.Glu539Asp; replaces glutamic acid 539 with aspartic acid.
Molecular consequence: missense variant.
Genome position (GRCh38, 1-based): chr13:48,381,365, A>C. VCF-style: chr13-48381365-A-C. GRCh37 (hg19) VCF-style: chr13-48955501-A-C.
Other names: short protein forms E539D.
Identifiers: ClinVar variation 486298 (VCV000486298.17), dbSNP rs371031574, ClinGen allele CA029151.

ClinVar aggregate classification (germline): Uncertain significance. Review status: criteria provided, multiple submitters, no conflicts (2 of 4 stars). 3 submissions from 3 submitters: Uncertain significance (3). Last evaluated 2024-09-23.

Conditions:
Hereditary cancer-predisposing syndrome. Also called: Tumor predisposition; Hereditary Cancer Syndrome; Hereditary neoplastic syndrome; Neoplastic Syndromes, Hereditary. Identifiers: Orphanet 140162, MedGen C0027672, MeSH D009386, MONDO:0015356.
Retinoblastoma (RB1). Also called: RETINOBLASTOMA, SOMATIC. Identifiers: Orphanet 790, MedGen C0035335, MeSH D012175, MONDO:0008380, OMIM 180200, HP:0009919. Disease mechanism: loss of function. Inheritance: Both sporadic and heritable forms are tested..

Allele frequency attached by ClinVar (database versions not stated): TOPMed below 0.00001; gnomAD 0.00001; ExAC 0.00002; ESP Exome Variant Server 0.00008.
gnomAD v4.1: 2 of 1,612,322 alleles (0.00012%); highest among the groups gnomAD compares: Non-Finnish European, 0.00017%; no homozygotes.

Submissions (3):

Ambry Genetics
Classification: Uncertain significance for Hereditary cancer-predisposing syndrome. Last evaluated: 2024-09-23. Review status: criteria provided, single submitter. Criteria: Ambry Variant Classification Scheme 2023. Collection method: clinical testing. Allele origin: germline.
Comment: The p.E539D variant (also known as c.1617A>C), located in coding exon 17 of the RB1 gene, results from an A to C substitution at nucleotide position 1617. The glutamic acid at codon 539 is replaced by aspartic acid, an amino acid with highly similar properties. This amino acid position is well conserved in available vertebrate species; however, aspartic acid is the reference amino acid in other vertebrate species. In addition, the in silico prediction for this alteration is inconclusive. Since supporting evidence is limited at this time, the clinical significance of this alteration remains unclear.

Labcorp Genetics (formerly Invitae), Labcorp
Classification: Uncertain significance for Retinoblastoma. Last evaluated: 2024-08-27. Review status: criteria provided, single submitter. Criteria: Invitae Variant Classification Sherloc (09022015). Collection method: clinical testing. Allele origin: germline.
Comment: This sequence change replaces glutamic acid, which is acidic and polar, with aspartic acid, which is acidic and polar, at codon 539 of the RB1 protein (p.Glu539Asp). This variant is present in population databases (rs371031574, gnomAD 0.0009%). This variant has not been reported in the literature in individuals affected with RB1-related conditions. ClinVar contains an entry for this variant (Variation ID: 486298). Invitae Evidence Modeling of protein sequence and biophysical properties (such as structural, functional, and spatial information, amino acid conservation, physicochemical variation, residue mobility, and thermodynamic stability) indicates that this missense variant is not expected to disrupt RB1 protein function with a negative predictive value of 80%. In summary, the available evidence is currently insufficient to determine the role of this variant in disease. Therefore, it has been classified as a Variant of Uncertain Significance.

All of Us Research Program, National Institutes of Health
Classification: Uncertain significance for Retinoblastoma. Last evaluated: 2024-05-14. Review status: criteria provided, single submitter. Criteria: ACMG Guidelines, 2015. Collection method: clinical testing. Allele origin: germline. Inheritance: Autosomal dominant inheritance. Observed: 1 variant allele, 1 heterozygote.
Comment: This missense variant replaces glutamic acid with aspartic acid at codon 539 of the RB1 protein. Computational prediction suggests that this variant may not impact protein structure and function. To our knowledge, functional studies have not been reported for this variant. This variant has not been reported in individuals affected with RB1-related disorders in the literature. This variant has not been identified in the general population by the Genome Aggregation Database (gnomAD). The available evidence is insufficient to determine the role of this variant in disease conclusively. Therefore, this variant is classified as a Variant of Uncertain Significance.

This study involves interpretation of variants in research participants for the purpose of population health screening. Participant phenotype was not available at the time of variant classification. Additional details can be found in publication PMID: 35346344, PMCID: PMC8962531